The following is an entry in ClinVar:

ClinVar aggregate classification (germline): Uncertain significance (1 of 4 stars; one submission).

Allele frequency attached by ClinVar (database versions not stated): gnomAD exomes below 0.00001; gnomAD 0.00001.
gnomAD v4.1: 4 of 1,613,868 alleles (0.00025%); highest among the groups gnomAD compares: Admixed American, 0.005%; no homozygotes.

Submission:

Labcorp Genetics (formerly Invitae), Labcorp
Classification: Uncertain significance. Last evaluated: 2022-09-27. Review status: criteria provided, single submitter. Criteria: Invitae Variant Classification Sherloc (09022015). Collection method: clinical testing. Allele origin: germline.
Comment: In summary, the available evidence is currently insufficient to determine the role of this variant in disease. Therefore, it has been classified as a Variant of Uncertain Significance. Algorithms developed to predict the effect of missense changes on protein structure and function output the following: SIFT: "Tolerated"; PolyPhen-2: "Benign"; Align-GVGD: "Class C0". The glutamic acid amino acid residue is found in multiple mammalian species, which suggests that this missense change does not adversely affect protein function. ClinVar contains an entry for this variant (Variation ID: 1391639). This variant has not been reported in the literature in individuals affected with VCAN-related conditions. This variant is present in population databases (no rsID available, gnomAD 0.003%). This sequence change replaces glycine, which is neutral and non-polar, with glutamic acid, which is acidic and polar, at codon 2046 of the VCAN protein (p.Gly2046Glu).

NM_004385.5(VCAN):c.6137G>A (p.Gly2046Glu)

Genes: VCAN (versican; plus strand), VCAN-AS1 (VCAN antisense RNA 1; minus strand). Cytogenetic location: 5q14.3.
Variant type: single nucleotide variant.
Coding change: c.6137G>A on transcript NM_004385.5 (MANE Select); coding-DNA position 6137, G replaced by A.
Protein change: p.Gly2046Glu; replaces glycine 2046 with glutamic acid.
Molecular consequence: missense variant. On other transcripts: intron variant (2).
Genome position (GRCh38, 1-based): chr5:83,539,140, G>A. VCF-style: chr5-83539140-G-A. GRCh37 (hg19) VCF-style: chr5-82834959-G-A.
Other names: c.3176G>A, p.Gly1059Glu (NM_001164097.2); c.4004-6397G>A (NM_001164098.2); c.1043-6397G>A (NM_001126336.3); short protein forms G2046E, G1059E.
Identifiers: ClinVar variation 1391639 (VCV001391639.6), dbSNP rs1272858409, ClinGen allele CA360311898.
Genomic context (GRCh38, chr5:83,539,140, plus strand): 5'-TTCCCAGTGCTGTGCAAAAGTTTTCTGGTACAGCTTCCTCCATTATCGACGAAGGATTGG[G>A]AGAAGTGGGTACTGTCAATGAAATTGATAGAAGATCCACCATTTTACCAACAGCAGAAGT-3'
Protein context (NP_004376.2, residues 2036-2056): TASSIIDEGL[Gly2046Glu]EVGTVNEIDR